The following is an entry in ClinVar:

NM_001128840.3(CACNA1D):c.4515G>A (p.Val1505=)

Gene: CACNA1D (calcium voltage-gated channel subunit alpha1 D; plus strand). Cytogenetic location: 3p21.1.
Variant type: single nucleotide variant.
Coding change: c.4515G>A on transcript NM_001128840.3 (MANE Select); coding-DNA position 4515, G replaced by A.
Protein change: p.Val1505=; no amino-acid change (valine 1505 retained).
Molecular consequence: synonymous variant.
Genome position (GRCh38, 1-based): chr3:53,776,884, G>A. VCF-style: chr3-53776884-G-A. GRCh37 (hg19) VCF-style: chr3-53810911-G-A.
Other names: c.4575G>A, p.Val1525= (NM_000720.4); c.4470G>A, p.Val1490= (NM_001128839.3).
Identifiers: ClinVar variation 2906817 (VCV002906817.3), dbSNP rs1321726799, ClinGen allele CA433802247.

ClinVar aggregate classification (germline): Uncertain significance (1 of 4 stars; one submission).

Allele frequency attached by ClinVar (database versions not stated): gnomAD exomes below 0.00001.
gnomAD v4.1: 3 of 1,613,992 alleles (0.00019%); highest among the groups gnomAD compares: Admixed American, 0.005%; no homozygotes.

Submission:

Labcorp Genetics (formerly Invitae), Labcorp
Classification: Uncertain significance. Last evaluated: 2023-12-10. Review status: criteria provided, single submitter. Criteria: Invitae Variant Classification Sherloc (09022015). Collection method: clinical testing. Allele origin: germline.
Comment: This sequence change affects codon 1525 of the CACNA1D mRNA. It is a 'silent' change, meaning that it does not change the encoded amino acid sequence of the CACNA1D protein. This variant is not present in population databases (gnomAD no frequency). This variant has not been reported in the literature in individuals affected with CACNA1D-related conditions. Algorithms developed to predict the effect of sequence changes on RNA splicing suggest that this variant may disrupt the consensus splice site. In summary, the available evidence is currently insufficient to determine the role of this variant in disease. Therefore, it has been classified as a Variant of Uncertain Significance.